The following is an entry in ClinVar:

NM_198994.3(TGM6):c.1505T>C (p.Leu502Pro)

Gene: TGM6 (transglutaminase 6; plus strand). Cytogenetic location: 20p13.
Variant type: single nucleotide variant.
Coding change: c.1505T>C on transcript NM_198994.3 (MANE Select); coding-DNA position 1505, T replaced by C.
Protein change: p.Leu502Pro; replaces leucine 502 with proline.
Molecular consequence: missense variant.
Genome position (GRCh38, 1-based): chr20:2,417,400, T>C. VCF-style: chr20-2417400-T-C. GRCh37 (hg19) VCF-style: chr20-2398046-T-C.
Other names: c.1505T>C, p.Leu502Pro (NM_001254734.2); c.1505T>C (NM_198994.2); short protein forms L502P.
Identifiers: ClinVar variation 2052926 (VCV002052926.5), dbSNP rs373147686, ClinGen allele CA9732117.
Genomic context (GRCh38, chr20:2,417,400, plus strand): 5'-GGCGTGACGACCTCCTGGAGCCTGCCACCAAGCCCAGCATCGCTGGCAAGTTCAAGGTGC[T>C]AGAGCCTCCCATGCTGGGCCACGACCTGAGACTGGCCCTGTGCTTGGCCAACCTCACCTC-3'
Protein context (NP_945345.2, residues 492-512): KPSIAGKFKV[Leu502Pro]EPPMLGHDLR

ClinVar aggregate classification (germline): Uncertain significance. Review status: criteria provided, multiple submitters, no conflicts (2 of 4 stars). 2 submissions from 2 submitters: Uncertain significance (2). Last evaluated 2024-10-07.

Conditions:
Inborn genetic diseases. Identifiers: MedGen C0950123, MeSH D030342.

Allele frequency attached by ClinVar (database versions not stated): ExAC 0.00008; 1000 Genomes Project 0.00040; 1000 Genomes Project 30x 0.00031; gnomAD 0.00002; ESP Exome Variant Server 0.00008.
gnomAD v4.1: 50 of 1,613,676 alleles (0.0031%); highest among the groups gnomAD compares: South Asian, 0.036%; 1 homozygote.

Submissions (2):

Ambry Genetics
Classification: Uncertain significance for Inborn genetic diseases. Last evaluated: 2024-10-07. Review status: criteria provided, single submitter. Criteria: Ambry Variant Classification Scheme 2023. Collection method: clinical testing. Allele origin: germline.

Labcorp Genetics (formerly Invitae), Labcorp
Classification: Uncertain significance. Last evaluated: 2022-09-27. Review status: criteria provided, single submitter. Criteria: Invitae Variant Classification Sherloc (09022015). Collection method: clinical testing. Allele origin: germline.
Comment: This sequence change replaces leucine, which is neutral and non-polar, with proline, which is neutral and non-polar, at codon 502 of the TGM6 protein (p.Leu502Pro). In summary, the available evidence is currently insufficient to determine the role of this variant in disease. Therefore, it has been classified as a Variant of Uncertain Significance. Advanced modeling of protein sequence and biophysical properties (such as structural, functional, and spatial information, amino acid conservation, physicochemical variation, residue mobility, and thermodynamic stability) performed at Invitae indicates that this missense variant is not expected to disrupt TGM6 protein function. This variant has not been reported in the literature in individuals affected with TGM6-related conditions. This variant is present in population databases (rs373147686, gnomAD 0.03%).